The following is an entry in ClinVar:

NM_012073.5(CCT5):c.1384C>T (p.Leu462Phe)

Gene: CCT5 (chaperonin containing TCP1 subunit 5; plus strand). Cytogenetic location: 5p15.2.
Variant type: single nucleotide variant.
Coding change: c.1384C>T on transcript NM_012073.5 (MANE Select); coding-DNA position 1384, C replaced by T.
Protein change: p.Leu462Phe; replaces leucine 462 with phenylalanine.
Molecular consequence: missense variant.
Genome position (GRCh38, 1-based): chr5:10,263,200, C>T. VCF-style: chr5-10263200-C-T. GRCh37 (hg19) VCF-style: chr5-10263312-C-T.
Other names: c.1321C>T, p.Leu441Phe (NM_001306153.1); c.1219C>T, p.Leu407Phe (NM_001306154.2); c.1105C>T, p.Leu369Phe (NM_001306155.2); c.1270C>T, p.Leu424Phe (NM_001306156.2); short protein forms L407F, L462F, L424F, L369F, L441F.
Identifiers: ClinVar variation 2989297 (VCV002989297.3), dbSNP rs146715762, ClinGen allele CA3198360.
Genomic context (GRCh38, chr5:10,263,200, plus strand): 5'-ACCTTAGAACAGTATGCCATGAGAGCGTTTGCCGACGCACTGGAGGTCATCCCCATGGCC[C>T]TCTCTGAAAACAGTGGCATGAATCCCATCCAGACTATGACCGAAGTCCGAGCCAGACAGG-3'
Protein context (NP_036205.1, residues 452-472): ADALEVIPMA[Leu462Phe]SENSGMNPIQ

ClinVar aggregate classification (germline): Uncertain significance (1 of 4 stars; one submission).

Conditions:
Hereditary sensory and autonomic neuropathy with spastic paraplegia (HSNSP). Identifiers: Orphanet 139578, MedGen C1850395, MONDO:0009748, OMIM 256840.

Allele frequency attached by ClinVar (database versions not stated): TOPMed below 0.00001; ExAC 0.00001; gnomAD 0.00001; ESP Exome Variant Server 0.00008.
gnomAD v4.1: 1 of 1,614,072 alleles (0.000062%); highest among the groups gnomAD compares: Non-Finnish European, 0.000085%; no homozygotes.

Submission:

Labcorp Genetics (formerly Invitae), Labcorp
Classification: Uncertain significance for Hereditary sensory and autonomic neuropathy with spastic paraplegia. Last evaluated: 2023-03-13. Review status: criteria provided, single submitter. Criteria: Invitae Variant Classification Sherloc (09022015). Collection method: clinical testing. Allele origin: germline.
Comment: This variant is present in population databases (rs146715762, gnomAD 0.002%). This sequence change replaces leucine, which is neutral and non-polar, with phenylalanine, which is neutral and non-polar, at codon 462 of the CCT5 protein (p.Leu462Phe). This variant has not been reported in the literature in individuals affected with CCT5-related conditions. In summary, the available evidence is currently insufficient to determine the role of this variant in disease. Therefore, it has been classified as a Variant of Uncertain Significance. Advanced modeling of protein sequence and biophysical properties (such as structural, functional, and spatial information, amino acid conservation, physicochemical variation, residue mobility, and thermodynamic stability) performed at Invitae indicates that this missense variant is expected to disrupt CCT5 protein function.